The following is an entry in ClinVar:

NM_001005361.3(DNM2):c.70G>A (p.Gly24Ser)

Genes: DNM2 (dynamin 2; plus strand), LOC130063529 (ATAC-STARR-seq lymphoblastoid silent region 10090; plus strand). Cytogenetic location: 19p13.2.
Variant type: single nucleotide variant.
Coding change: c.70G>A on transcript NM_001005361.3 (MANE Select); coding-DNA position 70, G replaced by A.
Protein change: p.Gly24Ser; replaces glycine 24 with serine.
Molecular consequence: missense variant.
Genome position (GRCh38, 1-based): chr19:10,718,312, G>A. VCF-style: chr19-10718312-G-A. GRCh37 (hg19) VCF-style: chr19-10828988-G-A.
Other names: c.70G>A, p.Gly24Ser (NM_001005360.3, NM_001005362.3, NM_001190716.2 and 1 more transcripts); short protein forms G24S.
Identifiers: ClinVar variation 2585180 (VCV002585180.1), dbSNP rs2512931490, ClinGen allele CA404046594.

ClinVar aggregate classification (germline): Uncertain significance (1 of 4 stars; one submission).

Conditions:
Charcot-Marie-Tooth disease dominant intermediate B (CMTDIB). Also called: CHARCOT-MARIE-TOOTH NEUROPATHY, DOMINANT INTERMEDIATE B; Charcot-Marie-Tooth disease dominant intermediate 1; CMT DI1; Charcot-Marie-Tooth disease dominant intermediate I. Identifiers: Orphanet 100044, Orphanet 228179, MedGen C1847902, MONDO:0011674, OMIM 606482.

Submission:

Neuberg Centre For Genomic Medicine, NCGM
Classification: Uncertain significance for Charcot-Marie-Tooth disease dominant intermediate B. Review status: criteria provided, single submitter. Criteria: ACMG Guidelines, 2015. Collection method: clinical testing. Allele origin: germline. Inheritance: Autosomal dominant inheritance. Affected: yes.
Comment: The missense variant p.G24S in DNM2 (NM_001005360.3) has not been reported previously as a pathogenic variant nor as a benign variant, to our knowledge. The p.G24S variant is novel (not in any individuals) in gnomAD Exomes and is novel (not in any individuals) in 1000 Genomes. There is a small physicochemical difference between glycine and serine, which is not likely to impact secondary protein structure as these residues share similar properties. The p.G24S missense variant is predicted to be damaging by both SIFT and PolyPhen2. The glycine residue at codon 24 of DNM2 is conserved in all mammalian species. The nucleotide c.70 in DNM2 is predicted conserved by GERP++ and PhyloP across 100 vertebrates. For these reasons, this variant has been classified as Uncertain Significance.